The following is an entry in ClinVar:

ClinVar aggregate classification (germline): Likely benign (1 of 4 stars; one submission).

Submission:

GeneDx
Classification: Likely benign. Last evaluated: 2016-08-12. Review status: criteria provided, single submitter. Criteria: GeneDx Variant Classification (06012015). Collection method: clinical testing. Allele origin: germline. Affected: yes.
Comment: This variant is considered likely benign or benign based on one or more of the following criteria: it is a conservative change, it occurs at a poorly conserved position in the protein, it is predicted to be benign by multiple in silico algorithms, and/or has population frequency not consistent with disease.

NM_007208.4(MRPL3):c.739-7C>T

Gene: MRPL3 (mitochondrial ribosomal protein L3; minus strand). Cytogenetic location: 3q22.1.
Variant type: single nucleotide variant.
Coding change: c.739-7C>T on transcript NM_007208.4 (MANE Select); 7 bases into the intron before coding-DNA position 739, C replaced by T.
Molecular consequence: intron variant.
Genome position (GRCh38, 1-based): chr3:131,469,780, G>A on the plus strand (C>T on the coding strand, the complement: MRPL3 is on the minus strand). VCF-style: chr3-131469780-G-A. GRCh37 (hg19) VCF-style: chr3-131188624-G-A.
Identifiers: ClinVar variation 388273 (VCV000388273.1), dbSNP rs1057523049, ClinGen allele CA16604367.
Genomic context (GRCh38, chr3:131,469,780, plus strand): 5'-TATGTTTCCCATTTTTCCAGGCATTTTAGTTCCAGGCCAGACTCTGCCAATATCCTAAAT[G>A]AGAAAACTAAAGTTAACACTTTTAAGTACTATCAATTTTAAACAGCACTGATCAAACCAC-3'